The following is an entry in ClinVar:

NM_002291.3(LAMB1):c.4890T>C (p.Ile1630=)

Gene: LAMB1 (laminin subunit beta 1; minus strand). Cytogenetic location: 7q31.1.
Variant type: single nucleotide variant.
Coding change: c.4890T>C on transcript NM_002291.3 (MANE Select); coding-DNA position 4890, T replaced by C.
Protein change: p.Ile1630=; no amino-acid change (isoleucine 1630 retained).
Molecular consequence: synonymous variant.
Genome position (GRCh38, 1-based): chr7:107,926,357, A>G on the plus strand (T>C on the coding strand, the complement: LAMB1 is on the minus strand). VCF-style: chr7-107926357-A-G. GRCh37 (hg19) VCF-style: chr7-107566802-A-G.
Identifiers: ClinVar variation 781110 (VCV000781110.17), dbSNP rs113538378, ClinGen allele CA4434898.

ClinVar aggregate classification (germline): Benign/Likely benign. Review status: criteria provided, multiple submitters, no conflicts (2 of 4 stars). 5 submissions from 5 submitters: Benign (3); Likely benign (1). 1 of the submissions does not count toward it. Last evaluated 2026-01-26.

Conditions:
LAMB1-related disorder. Also called: LAMB1-related condition.

Allele frequency attached by ClinVar (database versions not stated): gnomAD exomes 0.00109; ExAC 0.00141; gnomAD 0.00461 and 0.00497; ESP Exome Variant Server 0.00507; TOPMed 0.00518; 1000 Genomes Project 0.00519; 1000 Genomes Project 30x 0.00547.
gnomAD v4.1: 1,314 of 1,612,504 alleles (0.081%); highest among the groups gnomAD compares: African/African-American, 1.6%; 8 homozygotes.

Submissions (5):

Labcorp Genetics (formerly Invitae), Labcorp
Classification: Benign. Last evaluated: 2026-01-26. Review status: criteria provided, single submitter. Criteria: Invitae Variant Classification Sherloc (09022015). Collection method: clinical testing. Allele origin: germline.

Blueprint Genetics
Classification: Likely benign. Last evaluated: 2024-06-27. Review status: criteria provided, single submitter. Criteria: ACMG Guidelines, 2015. Collection method: clinical testing. Allele origin: germline.

GeneDx
Classification: Benign. Last evaluated: 2019-01-08. Review status: criteria provided, single submitter. Criteria: GeneDx Variant Classification Process June 2021. Collection method: clinical testing. Allele origin: germline. Affected: yes.

Breakthrough Genomics
Classification: Benign. Review status: criteria provided, single submitter. Criteria: ACMG Guidelines, 2015. Collection method: not provided. Allele origin: germline. Inheritance: Autosomal recessive inheritance. Affected: yes.

PreventionGenetics, part of Exact Sciences
Classification: Benign for LAMB1-related condition. Last evaluated: 2019-05-31. Review status: no assertion criteria provided. Collection method: clinical testing. Allele origin: germline. Not counted in ClinVar's aggregate classification.
Comment: This variant is classified as benign based on ACMG/AMP sequence variant interpretation guidelines (Richards et al. 2015 PMID: 25741868, with internal and published modifications).